The following is an entry in ClinVar:

NM_001135608.3(ARHGAP26):c.1107T>C (p.Pro369=)

Gene: ARHGAP26 (Rho GTPase activating protein 26; plus strand). Cytogenetic location: 5q31.3.
Variant type: single nucleotide variant.
Coding change: c.1107T>C on transcript NM_001135608.3 (MANE Select); coding-DNA position 1107, T replaced by C.
Protein change: p.Pro369=; no amino-acid change (proline 369 retained).
Molecular consequence: synonymous variant. On other transcripts: non-coding transcript variant (1).
Genome position (GRCh38, 1-based): chr5:142,932,125, T>C. VCF-style: chr5-142932125-T-C. GRCh37 (hg19) VCF-style: chr5-142311690-T-C.
Other names: NC_000005.9:g.142311690T>C; c.999T>C, p.Pro333= (NM_001349547.2); c.1107T>C, p.Pro369= (NM_015071.6).
Identifiers: ClinVar variation 133540 (VCV000133540.2), dbSNP rs139391817, ClinGen allele CA156899.

ClinVar aggregate classification (germline): not provided (0 of 4 stars; one submission).

Allele frequency attached by ClinVar (database versions not stated): gnomAD exomes 0.00002 and 0.00007; ExAC 0.00009; TOPMed 0.00021; ESP Exome Variant Server 0.00023; gnomAD 0.00025 and 0.00029.
gnomAD v4.1: 65 of 1,613,872 alleles (0.004%); highest among the groups gnomAD compares: African/African-American, 0.084%; no homozygotes.

Submissions (2):

ITMI
No classification provided. Condition: AllHighlyPenetrant. Last evaluated: 2013-09-19. Review status: no classification provided. Collection method: reference population. Allele origin: germline.
Comment: Please see associated publication for description of ethnicities

Dr. Peter K. Rogan Lab, Western University
No classification provided (evidence only). Condition: Thyroid cancer, nonmedullary, 1. Review status: no classification provided. Collection method: in vitro. Allele origin: not applicable. Functional consequence: retained intron. Not counted in ClinVar's aggregate classification.

Literature cited by the submitters: PubMed 24728327 (cited by ITMI).